The following is an entry in ClinVar:

NM_021098.3(CACNA1H):c.937A>G (p.Met313Val)

Gene: CACNA1H (calcium voltage-gated channel subunit alpha1 H; plus strand). Cytogenetic location: 16p13.3.
Variant type: single nucleotide variant.
Coding change: c.937A>G on transcript NM_021098.3 (MANE Select); coding-DNA position 937, A replaced by G.
Protein change: p.Met313Val; replaces methionine 313 with valine.
Molecular consequence: missense variant.
Genome position (GRCh38, 1-based): chr16:1,200,389, A>G. VCF-style: chr16-1200389-A-G. GRCh37 (hg19) VCF-style: chr16-1250389-A-G.
Other names: p.Met313Val; c.937A>G, p.Met313Val (NM_001005407.2); short protein forms M313V.
Identifiers: ClinVar variation 585657 (VCV000585657.16), dbSNP rs36117280, ClinGen allele CA7799713.

ClinVar aggregate classification (germline): Benign/Likely benign. Review status: criteria provided, multiple submitters, no conflicts (2 of 4 stars). 6 submissions from 6 submitters: Benign (5); Likely benign (1). Last evaluated 2026-02-04.

Conditions:
Idiopathic generalized epilepsy. Also called: Generalised epilepsy; EIG. Identifiers: MedGen C0270850, MONDO:0005579, OMIM 600669.
Hyperaldosteronism, familial, type IV (HALD4). Also called: FH IV; ALDOSTERONISM, PRIMARY, AND HYPERTENSION. Identifiers: Orphanet 642671, MedGen C4310756, MONDO:0014875, OMIM 617027.

Allele frequency attached by ClinVar (database versions not stated): 1000 Genomes Project 30x 0.10212; 1000 Genomes Project 0.10264; TOPMed 0.11991; ESP Exome Variant Server 0.12013; gnomAD 0.12769; gnomAD exomes 0.13297; ExAC 0.16319.
gnomAD v4.1: 235,703 of 1,605,316 alleles (15%); highest among the groups gnomAD compares: South Asian, 17%; 18,100 homozygotes.

Submissions (6):

Labcorp Genetics (formerly Invitae), Labcorp
Classification: Benign for Idiopathic generalized epilepsy; Hyperaldosteronism, familial, type IV. Last evaluated: 2026-02-04. Review status: criteria provided, single submitter. Criteria: Invitae Variant Classification Sherloc (09022015). Collection method: clinical testing. Allele origin: germline.

Blueprint Genetics
Classification: Likely benign. Last evaluated: 2024-11-27. Review status: criteria provided, single submitter. Criteria: ACMG Guidelines, 2015. Collection method: clinical testing. Allele origin: germline.

Mayo Clinic Laboratories, Mayo Clinic
Classification: Benign. Last evaluated: 2024-11-25. Review status: criteria provided, single submitter. Criteria: ACMG Guidelines, 2015. Collection method: clinical testing. Allele origin: germline. Observed: 17 variant alleles.
Comment: BA1, BS2

GeneDx
Classification: Benign. Last evaluated: 2020-01-27. Review status: criteria provided, single submitter. Criteria: GeneDx Variant Classification Process June 2021. Collection method: clinical testing. Allele origin: germline. Affected: yes.

Athena Diagnostics
Classification: Benign. Last evaluated: 2017-04-20. Review status: criteria provided, single submitter. Criteria: Athena Diagnostics Criteria. Collection method: clinical testing. Allele origin: germline.

Breakthrough Genomics
Classification: Benign. Review status: criteria provided, single submitter. Criteria: ACMG Guidelines, 2015. Collection method: not provided. Allele origin: germline. Inheritance: Autosomal dominant inheritance. Affected: yes.